The following is an entry in ClinVar:

ClinVar aggregate classification (germline): Conflicting classifications of pathogenicity. Review status: criteria provided, conflicting classifications (1 of 4 stars). 3 submissions from 3 submitters: Uncertain significance (1); Likely benign (2). Last evaluated 2026-08-01.

Conditions:
Spondyloepiphyseal dysplasia, Kimberley type. Identifiers: Orphanet 93283, MedGen C1842149, MONDO:0012019, OMIM 608361.
Spondyloepimetaphyseal dysplasia, aggrecan type. Also called: SEMD, AGGRECAN TYPE. Identifiers: Orphanet 171866, MedGen C2748544, MONDO:0013014, OMIM 612813.
Short stature and advanced bone age, with or without early-onset osteoarthritis and/or osteochondritis dissecans (SSOAOD). Identifiers: Orphanet 251262, MedGen C3665488, MONDO:0100462, OMIM 165800.

Allele frequency attached by ClinVar (database versions not stated): 1000 Genomes Project 30x 0.00031; ExAC 0.00033; gnomAD exomes 0.00045 and 0.00020; gnomAD 0.00006; TOPMed 0.00017; 1000 Genomes Project 0.00020.
gnomAD v4.1: 129 of 1,613,700 alleles (0.008%); highest among the groups gnomAD compares: Admixed American, 0.21%; no homozygotes.

Submissions (3):

CeGaT Center for Human Genetics Tuebingen
Classification: Uncertain significance. Last evaluated: 2026-08-01. Review status: criteria provided, single submitter. Criteria: CeGaT Center For Human Genetics Tuebingen Variant Classification Criteria Version 2. Collection method: clinical testing. Allele origin: germline. Affected: yes. Observed: 1 variant allele.
Comment: ACAN: PM2

Labcorp Genetics (formerly Invitae), Labcorp
Classification: Likely benign. Last evaluated: 2026-01-27. Review status: criteria provided, single submitter. Criteria: Invitae Variant Classification Sherloc (09022015). Collection method: clinical testing. Allele origin: germline.

Fulgent Genetics
Classification: Likely benign for Short stature and advanced bone age, with or without early-onset osteoarthritis and/or osteochondritis dissecans; Spondyloepiphyseal dysplasia, Kimberley type; Spondyloepimetaphyseal dysplasia, aggrecan type. Last evaluated: 2021-12-16. Review status: criteria provided, single submitter. Criteria: ACMG Guidelines, 2015. Collection method: clinical testing. Allele origin: unknown.

NM_001369268.1(ACAN):c.7451C>T (p.Ala2484Val)

Gene: ACAN (aggrecan; plus strand). Cytogenetic location: 15q26.1.
Variant type: single nucleotide variant.
Coding change: c.7451C>T on transcript NM_001369268.1 (MANE Select); coding-DNA position 7451, C replaced by T.
Protein change: p.Ala2484Val; replaces alanine 2484 with valine.
Molecular consequence: missense variant. On other transcripts: intron variant (1).
Genome position (GRCh38, 1-based): chr15:88,873,845, C>T. VCF-style: chr15-88873845-C-T. GRCh37 (hg19) VCF-style: chr15-89417076-C-T.
Other names: c.7337C>T, p.Ala2446Val (NM_013227.4); c.7220-560C>T (NM_001135.4); short protein forms A2446V, A2484V.
Identifiers: ClinVar variation 725346 (VCV000725346.11), dbSNP rs543497679, ClinGen allele CA7720696.
Genomic context (GRCh38, chr15:88,873,845, plus strand): 5'-CATAGGTCATCCCAGGAGACCCTATGAGACCCTTTATAAAGGGTGTTTGCCCCTCAGTGG[C>T]CTGCGGAGAGCCCCCTGTGGTGGAGCATGCCAGGACCTTCGGGCAGAAGAAGGACCGGTA-3'
Protein context (NP_001356197.1, residues 2474-2494): LPFTCKKGTV[Ala2484Val]CGEPPVVEHA